The following is an entry in ClinVar:

NM_173628.4(DNAH17):c.3496T>C (p.Leu1166=)

Gene: DNAH17 (dynein axonemal heavy chain 17; minus strand). Cytogenetic location: 17q25.3.
Variant type: single nucleotide variant.
Coding change: c.3496T>C on transcript NM_173628.4 (MANE Select); coding-DNA position 3496, T replaced by C.
Protein change: p.Leu1166=; no amino-acid change (leucine 1166 retained).
Molecular consequence: synonymous variant.
Genome position (GRCh38, 1-based): chr17:78,529,483, A>G on the plus strand (T>C on the coding strand, the complement: DNAH17 is on the minus strand). VCF-style: chr17-78529483-A-G. GRCh37 (hg19) VCF-style: chr17-76525565-A-G.
Identifiers: ClinVar variation 402694 (VCV000402694.7), dbSNP rs4273108, ClinGen allele CA8804194.

ClinVar aggregate classification (germline): Benign. Review status: criteria provided, multiple submitters, no conflicts (2 of 4 stars). 3 submissions from 3 submitters: Benign (2). 1 of the submissions does not count toward it. Last evaluated 2016-03-29.

Conditions:
DNAH17-related disorder. Also called: DNAH17-related condition.

Allele frequency attached by ClinVar (database versions not stated): gnomAD exomes 0.58898 and 0.60869; ExAC 0.59035; 1000 Genomes Project 0.59505; 1000 Genomes Project 30x 0.59650; gnomAD 0.61184 and 0.61559; TOPMed 0.62173; ESP Exome Variant Server 0.62656.
gnomAD v4.1: 982,851 of 1,613,440 alleles (61%); highest among the groups gnomAD compares: Middle Eastern, 64%; 300,753 homozygotes.

Submissions (3):

Laboratory for Molecular Medicine, Mass General Brigham Personalized Medicine
Classification: Benign. Last evaluated: 2016-03-29. Review status: criteria provided, single submitter. Criteria: LMM Criteria. Collection method: clinical testing. Allele origin: germline.
Comment: Variant identified in a genome or exome case(s) and assessed due to predicted null impact of the variant or pathogenic assertions in the literature or databases. Disclaimer: This variant has not undergone full assessment. The following are preliminary notes: Frequency

Breakthrough Genomics
Classification: Benign. Review status: criteria provided, single submitter. Criteria: ACMG Guidelines, 2015. Collection method: not provided. Allele origin: germline. Inheritance: Autosomal recessive inheritance. Affected: yes.

PreventionGenetics, part of Exact Sciences
Classification: Benign for DNAH17-related condition. Last evaluated: 2019-10-17. Review status: no assertion criteria provided. Collection method: clinical testing. Allele origin: germline. Not counted in ClinVar's aggregate classification.
Comment: This variant is classified as benign based on ACMG/AMP sequence variant interpretation guidelines (Richards et al. 2015 PMID: 25741868, with internal and published modifications).